The following is an entry in ClinVar:

NM_013447.4(ADGRE2):c.1535G>A (p.Cys512Tyr)

Gene: ADGRE2 (adhesion G protein-coupled receptor E2; minus strand). Cytogenetic location: 19p13.12.
Variant type: single nucleotide variant.
Coding change: c.1535G>A on transcript NM_013447.4 (MANE Select); coding-DNA position 1535, G replaced by A.
Protein change: p.Cys512Tyr; replaces cysteine 512 with tyrosine.
Molecular consequence: missense variant. On other transcripts: intron variant (1).
Genome position (GRCh38, 1-based): chr19:14,755,009, C>T on the plus strand (G>A on the coding strand, the complement: ADGRE2 is on the minus strand). VCF-style: chr19-14755009-C-T. GRCh37 (hg19) VCF-style: chr19-14865821-C-T.
Other names: c.1388G>A, p.Cys463Tyr (NM_152916.2); c.1256G>A, p.Cys419Tyr (NM_152917.2); c.1416+645G>A (NM_001271052.1); short protein forms C463Y, C512Y, C419Y.
Identifiers: ClinVar variation 2857452 (VCV002857452.3), dbSNP rs2513084389, ClinGen allele CA404454147.

ClinVar aggregate classification (germline): Uncertain significance (1 of 4 stars; one submission).

Submission:

Labcorp Genetics (formerly Invitae), Labcorp
Classification: Uncertain significance. Last evaluated: 2023-04-18. Review status: criteria provided, single submitter. Criteria: Invitae Variant Classification Sherloc (09022015). Collection method: clinical testing. Allele origin: germline.
Comment: This variant is not present in population databases (gnomAD no frequency). This variant has not been reported in the literature in individuals affected with ADGRE2-related conditions. An algorithm developed to predict the effect of missense changes on protein structure and function (PolyPhen-2) suggests that this variant is likely to be disruptive. This sequence change replaces cysteine, which is neutral and slightly polar, with tyrosine, which is neutral and polar, at codon 512 of the ADGRE2 protein (p.Cys512Tyr). In summary, the available evidence is currently insufficient to determine the role of this variant in disease. Therefore, it has been classified as a Variant of Uncertain Significance.